The following is an entry in ClinVar:

ClinVar aggregate classification (germline): Uncertain significance (1 of 4 stars; one submission).

Conditions:
Hereditary cancer-predisposing syndrome. Also called: Tumor predisposition; Hereditary neoplastic syndrome; Neoplastic Syndromes, Hereditary; Hereditary Cancer Syndrome. Identifiers: Orphanet 140162, MedGen C0027672, MeSH D009386, MONDO:0015356.

Submission:

Ambry Genetics
Classification: Uncertain significance for Hereditary cancer-predisposing syndrome. Last evaluated: 2025-03-30. Review status: criteria provided, single submitter. Criteria: Ambry Variant Classification Scheme 2023. Collection method: clinical testing. Allele origin: germline.
Comment: The p.H685Y variant (also known as c.2053C>T), located in coding exon 11 of the BARD1 gene, results from a C to T substitution at nucleotide position 2053. The histidine at codon 685 is replaced by tyrosine, an amino acid with similar properties. This amino acid position is conserved. In addition, this alteration is predicted to be tolerated by in silico analysis. Based on the available evidence, the clinical significance of this variant remains unclear.

NM_000465.4(BARD1):c.2053C>T (p.His685Tyr)

Gene: BARD1 (BRCA1 associated RING domain 1; minus strand). Cytogenetic location: 2q35.
Variant type: single nucleotide variant.
Coding change: c.2053C>T on transcript NM_000465.4 (MANE Select); coding-DNA position 2053, C replaced by T.
Protein change: p.His685Tyr; replaces histidine 685 with tyrosine.
Molecular consequence: missense variant. On other transcripts: non-coding transcript variant (3).
Genome position (GRCh38, 1-based): chr2:214,728,957, G>A on the plus strand (C>T on the coding strand, the complement: BARD1 is on the minus strand). VCF-style: chr2-214728957-G-A. GRCh37 (hg19) VCF-style: chr2-215593681-G-A.
Other names: c.1996C>T, p.His666Tyr (NM_001282543.2); c.700C>T, p.His234Tyr (NM_001282545.2); c.643C>T, p.His215Tyr (NM_001282548.2); c.514C>T, p.His172Tyr (NM_001282549.2); short protein forms H234Y, H666Y, H172Y, H685Y, H215Y.
Identifiers: ClinVar variation 3988096 (VCV003988096.1).
Genomic context (GRCh38, chr2:214,728,957, plus strand): 5'-TACTGAGGATCTGGCCCCCACCTGCAGTGACGAGCTTAATAAGGTTGTCCTTTGGATGGT[G>A]TTTGAAGGTTCCCCACAAATAGAAGTAGCATCCATCAAACAGCTTTGGCAACTGAAATAA-3'
Protein context (NP_000456.2, residues 675-695): CYFYLWGTFK[His685Tyr]HPKDNLIKLV